The following is an entry in ClinVar:

ClinVar aggregate classification (germline): Pathogenic/Likely pathogenic. Review status: criteria provided, multiple submitters, no conflicts (2 of 4 stars). 4 submissions from 4 submitters: Pathogenic (1); Likely pathogenic (3). Last evaluated 2025-06-18.

Conditions:
Kartagener syndrome (CILD1). Also called: CILIARY DYSKINESIA, PRIMARY, 1; CILIARY DYSKINESIA, PRIMARY, 1, WITH OR WITHOUT SITUS INVERSUS; IMMOTILE CILIA SYNDROME; POLYNESIAN BRONCHIECTASIS; Dextrocardia bronchiectasis and sinusitis; SIEWERT SYNDROME. Identifiers: Orphanet 244, MedGen C4551906, MONDO:0009484, OMIM 244400.
Primary ciliary dyskinesia. Also called: Ciliary dyskinesia. Identifiers: Orphanet 244, MedGen C0008780, MONDO:0016575, HP:0012265.

Allele frequency attached by ClinVar (database versions not stated): gnomAD 0.00001; gnomAD exomes 0.00001; TOPMed 0.00001.
gnomAD v4.1: 12 of 1,614,058 alleles (0.00074%); highest among the groups gnomAD compares: Non-Finnish European, 0.00093%; no homozygotes.

Submissions (4):

Ambry Genetics
Classification: Likely pathogenic for Primary ciliary dyskinesia. Last evaluated: 2025-06-18. Review status: criteria provided, single submitter. Criteria: Ambry Variant Classification Scheme 2023. Collection method: clinical testing. Allele origin: germline.
Comment: The p.D562N variant (also known as c.1684G>A), located in coding exon 17 of the DNAI1 gene, results from a G to A substitution at nucleotide position 1684. The aspartic acid at codon 562 is replaced by asparagine, an amino acid with highly similar properties. This variant has been identified in the homozygous state and/or in conjunction with other DNAI1 variant(s) in individual(s) with features consistent with DNAI1-related primary ciliary dyskinesia; in at least one instance, the variants were identified in trans (Stevanovic N et al. Int J Mol Sci, 2021 Aug;22:; external communication; Ambry internal data). This amino acid position is highly conserved in available vertebrate species. In addition, the in silico prediction for this alteration is inconclusive. This variant is considered to be rare based on population cohorts in the Genome Aggregation Database (gnomAD). Based on the majority of available evidence to date, this variant is likely to be pathogenic.

Labcorp Genetics (formerly Invitae), Labcorp
Classification: Pathogenic for Primary ciliary dyskinesia. Last evaluated: 2024-10-03. Review status: criteria provided, single submitter. Criteria: Invitae Variant Classification Sherloc (09022015). Collection method: clinical testing. Allele origin: germline.
Comment: This sequence change replaces aspartic acid, which is acidic and polar, with asparagine, which is neutral and polar, at codon 562 of the DNAI1 protein (p.Asp562Asn). This variant is present in population databases (no rsID available, gnomAD 0.0008%). This missense change has been observed in individual(s) with primary ciliary dyskinesia (PMID: 30300419, 34445527; internal data). In at least one individual the data is consistent with being in trans (on the opposite chromosome) from a pathogenic variant. ClinVar contains an entry for this variant (Variation ID: 1777972). Invitae Evidence Modeling of protein sequence and biophysical properties (such as structural, functional, and spatial information, amino acid conservation, physicochemical variation, residue mobility, and thermodynamic stability) indicates that this missense variant is expected to disrupt DNAI1 protein function with a positive predictive value of 95%. For these reasons, this variant has been classified as Pathogenic.

Fulgent Genetics
Classification: Likely pathogenic for Kartagener syndrome. Last evaluated: 2024-04-18. Review status: criteria provided, single submitter. Criteria: ACMG Guidelines, 2015. Collection method: clinical testing. Allele origin: germline.

Kariminejad - Najmabadi Pathology & Genetics Center
Classification: Likely pathogenic for Kartagener syndrome. Review status: criteria provided, single submitter. Criteria: ACMG Guidelines, 2015. Collection method: clinical testing. Allele origin: germline. Affected: no.

Literature cited by the submitters: PubMed 30300419 (cited by Ambry Genetics and Labcorp Genetics (formerly Invitae), Labcorp); PubMed 34445527 (cited by Ambry Genetics and Labcorp Genetics (formerly Invitae), Labcorp).

NM_012144.4(DNAI1):c.1684G>A (p.Asp562Asn)

Gene: DNAI1 (dynein axonemal intermediate chain 1; plus strand). Cytogenetic location: 9p13.3.
Variant type: single nucleotide variant.
Coding change: c.1684G>A on transcript NM_012144.4 (MANE Select); coding-DNA position 1684, G replaced by A.
Protein change: p.Asp562Asn; replaces aspartic acid 562 with asparagine.
Molecular consequence: missense variant.
Genome position (GRCh38, 1-based): chr9:34,514,508, G>A. VCF-style: chr9-34514508-G-A. GRCh37 (hg19) VCF-style: chr9-34514506-G-A.
Other names: c.1696G>A, p.Asp566Asn (NM_001281428.2); short protein forms D566N, D562N.
Identifiers: ClinVar variation 1777972 (VCV001777972.10), dbSNP rs1371519471, ClinGen allele CA373263762.